The following is an entry in ClinVar:

ClinVar aggregate classification (germline): Likely benign. Review status: criteria provided, single submitter (1 of 4 stars). 2 submissions from 2 submitters: Likely benign (1). 1 of the submissions does not count toward it. Last evaluated 2016-12-14.

Conditions:
EEF2-related disorder. Also called: EEF2-related condition.

Allele frequency attached by ClinVar (database versions not stated): gnomAD 0.00004 and 0.00005; TOPMed 0.00005; ESP Exome Variant Server 0.00008; ExAC 0.00012; 1000 Genomes Project 0.00020; 1000 Genomes Project 30x 0.00031.
gnomAD v4.1: 46 of 1,608,828 alleles (0.0029%); highest among the groups gnomAD compares: Admixed American, 0.017%; 1 homozygote.

Submissions (2):

Athena Diagnostics
Classification: Likely benign. Last evaluated: 2016-12-14. Review status: criteria provided, single submitter. Criteria: Athena Diagnostics Criteria. Collection method: clinical testing. Allele origin: germline.

PreventionGenetics, part of Exact Sciences
Classification: Likely benign for EEF2-related condition. Last evaluated: 2019-03-20. Review status: no assertion criteria provided. Collection method: clinical testing. Allele origin: germline. Not counted in ClinVar's aggregate classification.
Comment: This variant is classified as likely benign based on ACMG/AMP sequence variant interpretation guidelines (Richards et al. 2015 PMID: 25741868, with internal and published modifications).

NM_001961.4(EEF2):c.2463C>T (p.Pro821=)

Gene: EEF2 (eukaryotic translation elongation factor 2; minus strand). Cytogenetic location: 19p13.3.
Variant type: single nucleotide variant.
Coding change: c.2463C>T on transcript NM_001961.4 (MANE Select); coding-DNA position 2463, C replaced by T.
Protein change: p.Pro821=; no amino-acid change (proline 821 retained).
Molecular consequence: synonymous variant.
Genome position (GRCh38, 1-based): chr19:3,976,668, G>A on the plus strand (C>T on the coding strand, the complement: EEF2 is on the minus strand). VCF-style: chr19-3976668-G-A. GRCh37 (hg19) VCF-style: chr19-3976666-G-A.
Identifiers: ClinVar variation 447300 (VCV000447300.3), dbSNP rs371674983, ClinGen allele CA9088514.